The following is an entry in ClinVar:

ClinVar aggregate classification (germline): Uncertain significance. Review status: criteria provided, multiple submitters, no conflicts (2 of 4 stars). 2 submissions from 2 submitters: Uncertain significance (2). Last evaluated 2025-07-01.

Conditions:
GMPPB-related disorder. Also called: GMPPB-related disorders; GMPPB-related condition.

gnomAD v4.1: 17 of 1,613,820 alleles (0.0011%); highest among the groups gnomAD compares: East Asian, 0.022%; no homozygotes.

Submissions (2):

PreventionGenetics, part of Exact Sciences
Classification: Uncertain significance for GMPPB-related condition. Last evaluated: 2025-07-01. Review status: criteria provided, single submitter. Criteria: ACMG Guidelines, 2015. Collection method: clinical testing. Allele origin: germline.
Comment: The GMPPB c.737C>T variant is predicted to result in the amino acid substitution p.Ser246Leu. To our knowledge, this variant has not been reported in the literature. This variant is reported in 0.0058% of alleles in individuals of Latino descent in gnomAD. At this time, the clinical significance of this variant is uncertain due to the absence of conclusive functional and genetic evidence.

Revvity Omics, Revvity
Classification: Uncertain significance. Last evaluated: 2025-06-05. Review status: criteria provided, single submitter. Criteria: ACMG Guidelines, 2015. Collection method: clinical testing. Allele origin: germline.

NM_021971.4(GMPPB):c.737C>T (p.Ser246Leu)

Gene: GMPPB (GDP-mannose pyrophosphorylase B; minus strand). Cytogenetic location: 3p21.31.
Variant type: single nucleotide variant.
Coding change: c.737C>T on transcript NM_021971.4 (MANE Select); coding-DNA position 737, C replaced by T.
Protein change: p.Ser246Leu; replaces serine 246 with leucine.
Molecular consequence: missense variant.
Genome position (GRCh38, 1-based): chr3:49,722,262, G>A on the plus strand (C>T on the coding strand, the complement: GMPPB is on the minus strand). VCF-style: chr3-49722262-G-A. GRCh37 (hg19) VCF-style: chr3-49759695-G-A.
Other names: c.737C>T, p.Ser246Leu (NM_013334.4); short protein forms S246L.
Identifiers: ClinVar variation 4078799 (VCV004078799.2).